The following is an entry in ClinVar:

NM_001388492.1(HTT):c.8656C>T (p.Leu2886=)

Gene: HTT (huntingtin; plus strand). Cytogenetic location: 4p16.3.
Variant type: single nucleotide variant.
Coding change: c.8656C>T on transcript NM_001388492.1 (MANE Select); coding-DNA position 8656, C replaced by T.
Protein change: p.Leu2886=; no amino-acid change (leucine 2886 retained).
Molecular consequence: synonymous variant.
Genome position (GRCh38, 1-based): chr4:3,235,649, C>T. VCF-style: chr4-3235649-C-T. GRCh37 (hg19) VCF-style: chr4-3237376-C-T.
Other names: c.8662C>T, p.Leu2888= (NM_002111.8).
Identifiers: ClinVar variation 1539369 (VCV001539369.14), dbSNP rs199535935, ClinGen allele CA2825759.
Genomic context (GRCh38, chr4:3,235,649, plus strand): 5'-AGTGAGGAGTCCACCCCCTCCATCATTTACCACTGTGCCCTCAGAGGCCTGGAGCGCCTC[C>T]TGCTCTCTGAGCAGCTCTCCCGCCTGGATGCAGAATCGCTGGTCAAGCTGAGTGTGGACA-3'
Protein context (NP_001375421.1, residues 2876-2896): HCALRGLERL[Leu2886=]LSEQLSRLDA

ClinVar aggregate classification (germline): Benign/Likely benign. Review status: criteria provided, multiple submitters, no conflicts (2 of 4 stars). 4 submissions from 4 submitters: Benign (3); Likely benign (1). Last evaluated 2026-01-01.

Allele frequency attached by ClinVar (database versions not stated): 1000 Genomes Project 0.00120; 1000 Genomes Project 30x 0.00125; ExAC 0.00233; ESP Exome Variant Server 0.00253.
gnomAD v4.1: 3,210 of 1,613,874 alleles (0.2%); highest among the groups gnomAD compares: Middle Eastern, 0.45%; 12 homozygotes.

Submissions (4):

CeGaT Center for Human Genetics Tuebingen
Classification: Benign. Last evaluated: 2026-01-01. Review status: criteria provided, single submitter. Criteria: CeGaT Center For Human Genetics Tuebingen Variant Classification Criteria Version 2. Collection method: clinical testing. Allele origin: germline. Affected: yes. Observed: 1 variant allele.
Comment: HTT: BP4, BS1, BS2

Labcorp Genetics (formerly Invitae), Labcorp
Classification: Benign. Last evaluated: 2025-01-06. Review status: criteria provided, single submitter. Criteria: Invitae Variant Classification Sherloc (09022015). Collection method: clinical testing. Allele origin: germline.

Blueprint Genetics
Classification: Likely benign. Last evaluated: 2024-11-26. Review status: criteria provided, single submitter. Criteria: ACMG Guidelines, 2015. Collection method: clinical testing. Allele origin: germline.

Breakthrough Genomics
Classification: Benign. Review status: criteria provided, single submitter. Criteria: ACMG Guidelines, 2015. Collection method: not provided. Allele origin: germline. Inheritance: Autosomal recessive inheritance. Affected: yes.